The following is an entry in ClinVar:

NM_015909.4(NBAS):c.5903T>G (p.Leu1968Arg)

Gene: NBAS (NBAS subunit of NRZ tethering complex; minus strand). Cytogenetic location: 2p24.3.
Variant type: single nucleotide variant.
Coding change: c.5903T>G on transcript NM_015909.4 (MANE Select); coding-DNA position 5903, T replaced by G.
Protein change: p.Leu1968Arg; replaces leucine 1968 with arginine.
Molecular consequence: missense variant. On other transcripts: non-coding transcript variant (1).
Genome position (GRCh38, 1-based): chr2:15,238,508, A>C on the plus strand (T>G on the coding strand, the complement: NBAS is on the minus strand). VCF-style: chr2-15238508-A-C. GRCh37 (hg19) VCF-style: chr2-15378632-A-C.
Other names: short protein forms L1968R.
Identifiers: ClinVar variation 1461249 (VCV001461249.8), dbSNP rs1667708726, ClinGen allele CA345890821.

ClinVar aggregate classification (germline): Uncertain significance (1 of 4 stars; one submission).

Submission:

Labcorp Genetics (formerly Invitae), Labcorp
Classification: Uncertain significance. Last evaluated: 2021-05-28. Review status: criteria provided, single submitter. Criteria: Invitae Variant Classification Sherloc (09022015). Collection method: clinical testing. Allele origin: germline.
Comment: In summary, the available evidence is currently insufficient to determine the role of this variant in disease. Therefore, it has been classified as a Variant of Uncertain Significance. Algorithms developed to predict the effect of missense changes on protein structure and function (SIFT, PolyPhen-2, Align-GVGD) all suggest that this variant is likely to be disruptive, but these predictions have not been confirmed by published functional studies and their clinical significance is uncertain. This variant has not been reported in the literature in individuals with NBAS-related conditions. This variant is not present in population databases (ExAC no frequency). This sequence change replaces leucine with arginine at codon 1968 of the NBAS protein (p.Leu1968Arg). The leucine residue is highly conserved and there is a moderate physicochemical difference between leucine and arginine.